The following is an entry in ClinVar:

ClinVar aggregate classification (germline): Likely benign. Review status: criteria provided, multiple submitters, no conflicts (2 of 4 stars). 2 submissions from 2 submitters: Likely benign (2). Last evaluated 2026-05-13.

Conditions:
Epidermolysis bullosa simplex 5B, with muscular dystrophy (EBS5B). Also called: Epidermolysis bullosa simplex with muscular dystrophy; EPIDERMOLYSIS BULLOSA SIMPLEX AND LIMB-GIRDLE MUSCULAR DYSTROPHY. Identifiers: Orphanet 257, MedGen C2931072, MONDO:0009181, OMIM 226670.
Epidermolysis bullosa simplex with nail dystrophy (EBS5D). Identifiers: MedGen C4225309, MONDO:0014661, OMIM 616487.
Autosomal recessive limb-girdle muscular dystrophy type 2Q (LGMDR17). Also called: MUSCULAR DYSTROPHY, LIMB-GIRDLE, AUTOSOMAL RECESSIVE 17. Identifiers: Orphanet 254361, MedGen C3150989, MONDO:0013390, OMIM 613723.
Epidermolysis bullosa simplex 5C, with pyloric atresia (EBS5C). Also called: PLEC-Related Epidermolysis Bullosa with Pyloric Atresia; Epidermolysis bullosa simplex with pyloric atresia; PLEC1-Related Epidermolysis Bullosa with Pyloric Atresia. Identifiers: Orphanet 158684, MedGen C2677349, MONDO:0012807, OMIM 612138.
Epidermolysis bullosa simplex, Ogna type (EBS5A). Also called: Pidermolysis bullosa simplex 5A, Ogna type; EPIDERMOLYSIS BULLOSA SIMPLEX 5A, OGNA TYPE. Identifiers: Orphanet 79401, MedGen C0432317, MONDO:0007555, OMIM 131950.
PLEC-related disorder. Also called: PLEC-related disorders; PLEC-related condition.

Allele frequency attached by ClinVar (database versions not stated): gnomAD exomes below 0.00001; gnomAD 0.00001; TOPMed 0.00001.
gnomAD v4.1: 3 of 1,612,794 alleles (0.00019%); highest among the groups gnomAD compares: African/African-American, 0.0013%; no homozygotes.

Submissions (2):

PreventionGenetics, part of Exact Sciences
Classification: Likely benign for PLEC-related condition. Last evaluated: 2026-05-13. Review status: criteria provided, single submitter. Criteria: ACMG Guidelines, 2015. Collection method: clinical testing. Allele origin: germline.
Comment: This variant is classified as likely benign based on ACMG/AMP sequence variant interpretation guidelines (Richards et al. 2015 PMID: 25741868, with internal and published modifications).

Labcorp Genetics (formerly Invitae), Labcorp
Classification: Likely benign for Autosomal recessive limb-girdle muscular dystrophy type 2Q; Epidermolysis bullosa simplex, Ogna type; Epidermolysis bullosa simplex with nail dystrophy; Epidermolysis bullosa simplex 5C, with pyloric atresia; Epidermolysis bullosa simplex 5B, with muscular dystrophy. Last evaluated: 2024-10-29. Review status: criteria provided, single submitter. Criteria: Invitae Variant Classification Sherloc (09022015). Collection method: clinical testing. Allele origin: germline.

NM_201384.3(PLEC):c.12618T>C (p.Asp4206=)

Gene: PLEC (plectin; minus strand). Cytogenetic location: 8q24.3.
Variant type: single nucleotide variant.
Coding change: c.12618T>C on transcript NM_201384.3 (MANE Select); coding-DNA position 12618, T replaced by C.
Protein change: p.Asp4206=; no amino-acid change (aspartic acid 4206 retained).
Molecular consequence: synonymous variant.
Genome position (GRCh38, 1-based): chr8:143,917,203, A>G on the plus strand (T>C on the coding strand, the complement: PLEC is on the minus strand). VCF-style: chr8-143917203-A-G. GRCh37 (hg19) VCF-style: chr8-144991371-A-G.
Other names: c.12699T>C, p.Asp4233= (NM_000445.5); c.12576T>C, p.Asp4192= (NM_201378.4); c.12552T>C, p.Asp4184= (NM_201379.3); c.13029T>C, p.Asp4343= (NM_201380.4); c.12522T>C, p.Asp4174= (NM_201381.3); c.12618T>C, p.Asp4206= (NM_201382.4); c.12630T>C, p.Asp4210= (NM_201383.3).
Identifiers: ClinVar variation 757046 (VCV000757046.10), dbSNP rs1353880346, ClinGen allele CA463527255.